The following is an entry in ClinVar:

NM_003494.4(DYSF):c.-179C>A

Gene: DYSF (dysferlin; plus strand). Cytogenetic location: 2p13.2.
Variant type: single nucleotide variant.
Coding change: c.-179C>A on transcript NM_003494.4 (MANE Plus Clinical); 179 bases upstream of the start codon, C replaced by A.
Molecular consequence: 5 prime UTR variant.
Genome position (GRCh38, 1-based): chr2:71,453,820, C>A. VCF-style: chr2-71453820-C-A. GRCh37 (hg19) VCF-style: chr2-71680950-C-A.
Other names: c.-179C>A (NM_001130976.2, NM_001130977.2, NM_001130978.2 and 3 more transcripts).
Identifiers: ClinVar variation 681717 (VCV000681717.8), dbSNP rs6741336, ClinGen allele CA11274222.

ClinVar aggregate classification (germline): Benign. Review status: criteria provided, multiple submitters, no conflicts (2 of 4 stars). 3 submissions from 3 submitters: Benign (3). Last evaluated 2018-06-19.

Conditions:
Neuromuscular disease caused by qualitative or quantitative defects of dysferlin. Also called: Dysferlinopathy; Qualitative or quantitative defects of dysferlin. Identifiers: Orphanet 207073, MedGen C2931687, MONDO:0016145.

Allele frequency attached by ClinVar (database versions not stated): gnomAD 0.13159 and 0.13484; TOPMed 0.14130; 1000 Genomes Project 30x 0.19769; 1000 Genomes Project 0.20487.
gnomAD v4.1: 81,196 of 674,250 alleles (12%); highest among the groups gnomAD compares: East Asian, 43%; 7,656 homozygotes.

Submissions (3):

GeneDx
Classification: Benign. Last evaluated: 2018-06-19. Review status: criteria provided, single submitter. Criteria: GeneDx Variant Classification (06012015). Collection method: clinical testing. Allele origin: germline. Affected: yes.
Comment: This variant is considered likely benign or benign based on one or more of the following criteria: it is a conservative change, it occurs at a poorly conserved position in the protein, it is predicted to be benign by multiple in silico algorithms, and/or has population frequency not consistent with disease.

Illumina Laboratory Services, Illumina
Classification: Benign for Qualitative or quantitative defects of dysferlin. Last evaluated: 2018-01-12. Review status: criteria provided, single submitter. Criteria: ICSL Variant Classification Criteria 13 December 2019. Collection method: clinical testing. Allele origin: germline.
Comment: This variant was observed in the ICSL laboratory as part of a predisposition screen in an ostensibly healthy population. It had not been previously curated by ICSL or reported in the Human Gene Mutation Database (HGMD: prior to June 1st, 2018), and was therefore a candidate for classification through an automated scoring system. Utilizing variant allele frequency, disease prevalence and penetrance estimates, and inheritance mode, an automated score was calculated to assess if this variant is too frequent to cause the disease. Based on the score and internal cut-off values, a variant classified as benign is not then subjected to further curation. The score for this variant resulted in a classification of benign for this disease.

Breakthrough Genomics
Classification: Benign. Review status: criteria provided, single submitter. Criteria: ACMG Guidelines, 2015. Collection method: not provided. Allele origin: germline. Inheritance: Autosomal recessive inheritance. Affected: yes.